The following is an entry in ClinVar:

NM_007194.4(CHEK2):c.1438_1439delinsAG (p.Ala480Ser)

Gene: CHEK2 (checkpoint kinase 2; minus strand). Cytogenetic location: 22q12.1.
Variant type: Indel.
Coding change: c.1438_1439delinsAG on transcript NM_007194.4 (MANE Select); coding-DNA positions 1438 to 1439, GC replaced by AG.
Protein change: p.Ala480Ser; replaces alanine 480 with serine.
Molecular consequence: missense variant.
Genome position (GRCh38, 1-based): chr22:28,694,054-28,694,055, GC replaced by CT on the plus strand (GC replaced by AG on the coding strand, the reverse complement: CHEK2 is on the minus strand). VCF-style: chr22-28694054-GC-CT. GRCh37 (hg19) VCF-style: chr22-29090042-GC-CT.
Other names: c.1567_1568delGCinsAG, p.Ala523Ser (NM_001005735.3); c.775_776delGCinsAG, p.Ala259Ser (NM_001257387.3); c.1237_1238delGCinsAG, p.Ala413Ser (NM_001349956.3); c.1351_1352delGCinsAG, p.Ala451Ser (NM_145862.3); short protein forms A259S, A413S, A523S, A451S, A480S.
Identifiers: ClinVar variation 1772640 (VCV001772640.2), dbSNP rs2517786808, ClinGen allele CA2580099372.

ClinVar aggregate classification (germline): Uncertain significance (1 of 4 stars; one submission).

Conditions:
Hereditary cancer-predisposing syndrome. Also called: Hereditary Cancer Syndrome; Hereditary neoplastic syndrome; Neoplastic Syndromes, Hereditary; Tumor predisposition. Identifiers: Orphanet 140162, MedGen C0027672, MeSH D009386, MONDO:0015356.

Submission:

Ambry Genetics
Classification: Uncertain significance for Hereditary cancer-predisposing syndrome. Last evaluated: 2017-11-29. Review status: criteria provided, single submitter. Criteria: Ambry Variant Classification Scheme 2023. Collection method: clinical testing. Allele origin: germline.
Comment: The c.1438_1439delGCinsAG variant, located in coding exon 12 of the CHEK2 gene, results from an in-frame deletion of GC and insertion of AG at nucleotide positions 1438 to 1439. This results in the substitution of the alanine residue for a serine residue at codon 480, an amino acid with similar properties. This amino acid position is highly conserved in available vertebrate species. Since supporting evidence is limited at this time, the clinical significance of this alteration remains unclear.